The following is an entry in ClinVar:

ClinVar aggregate classification (germline): Uncertain significance (1 of 4 stars; one submission).

Allele frequency attached by ClinVar (database versions not stated): ExAC 0.00001.

Submission:

Labcorp Genetics (formerly Invitae), Labcorp
Classification: Uncertain significance. Last evaluated: 2022-02-08. Review status: criteria provided, single submitter. Criteria: Invitae Variant Classification Sherloc (09022015). Collection method: clinical testing. Allele origin: germline.
Comment: This variant has not been reported in the literature in individuals affected with TUBGCP6-related conditions. In summary, the available evidence is currently insufficient to determine the role of this variant in disease. Therefore, it has been classified as a Variant of Uncertain Significance. Algorithms developed to predict the effect of missense changes on protein structure and function output the following: SIFT: "Tolerated"; PolyPhen-2: "Benign"; Align-GVGD: "Class C0". The serine amino acid residue is found in multiple mammalian species, which suggests that this missense change does not adversely affect protein function. ClinVar contains an entry for this variant (Variation ID: 1006862). This variant is present in population databases (rs773963945, gnomAD 0.01%). This sequence change replaces proline, which is neutral and non-polar, with serine, which is neutral and polar, at codon 100 of the TUBGCP6 protein (p.Pro100Ser).

NM_020461.4(TUBGCP6):c.298C>T (p.Pro100Ser)

Gene: TUBGCP6 (tubulin gamma complex component 6; minus strand). Cytogenetic location: 22q13.33.
Variant type: single nucleotide variant.
Coding change: c.298C>T on transcript NM_020461.4 (MANE Select); coding-DNA position 298, C replaced by T.
Protein change: p.Pro100Ser; replaces proline 100 with serine.
Molecular consequence: missense variant.
Genome position (GRCh38, 1-based): chr22:50,244,162, G>A on the plus strand (C>T on the coding strand, the complement: TUBGCP6 is on the minus strand). VCF-style: chr22-50244162-G-A. GRCh37 (hg19) VCF-style: chr22-50682591-G-A.
Other names: short protein forms P100S.
Identifiers: ClinVar variation 1006862 (VCV001006862.8), dbSNP rs773963945, ClinGen allele CA10309086.
Genomic context (GRCh38, chr22:50,244,162, plus strand): 5'-TCCCTGCCAGCTGAACCAGGAGGTCCAAAACAGACCCCACCTCCAAAAGCGGACAGCAAG[G>A]GGCTGCTTCCAGCTCCTCCACAAGCTCCTCCAAACGGTCGGCCTTGGGGCCCAGGCCACC-3'
Protein context (NP_065194.3, residues 90-110): EELVEELEAA[Pro100Ser]CCPLLEVGSV